The following is an entry in ClinVar:

NM_001029883.3(PCARE):c.3376G>C (p.Ala1126Pro)

Gene: PCARE (photoreceptor cilium actin regulator; minus strand). Cytogenetic location: 2p23.2.
Variant type: single nucleotide variant.
Coding change: c.3376G>C on transcript NM_001029883.3 (MANE Select); coding-DNA position 3376, G replaced by C.
Protein change: p.Ala1126Pro; replaces alanine 1126 with proline.
Molecular consequence: missense variant.
Genome position (GRCh38, 1-based): chr2:29,070,886, C>G on the plus strand (G>C on the coding strand, the complement: PCARE is on the minus strand). VCF-style: chr2-29070886-C-G. GRCh37 (hg19) VCF-style: chr2-29293752-C-G.
Other names: short protein forms A1126P.
Identifiers: ClinVar variation 1916743 (VCV001916743.5), dbSNP rs1264499831, ClinGen allele CA346475138.
Genomic context (GRCh38, chr2:29,070,886, plus strand): 5'-GTGGGGTCAGTGGGTGGGCTGTTGAGAGTGGCGGTTTAGCTTCAAACAGAGAGGAGGTAG[C>G]TGGGCAGAATATGGAATGTGTGTTCCCAGACACTTTGGCTATGACTGCTTGGCTGTCTTC-3'
Protein context (NP_001025054.1, residues 1116-1136): SGNTHSIFCP[Ala1126Pro]TSSLFEAKPP

ClinVar aggregate classification (germline): Uncertain significance (1 of 4 stars; one submission).

Submission:

Labcorp Genetics (formerly Invitae), Labcorp
Classification: Uncertain significance. Last evaluated: 2022-04-02. Review status: criteria provided, single submitter. Criteria: Invitae Variant Classification Sherloc (09022015). Collection method: clinical testing. Allele origin: germline.
Comment: This sequence change replaces alanine, which is neutral and non-polar, with proline, which is neutral and non-polar, at codon 1126 of the PCARE protein (p.Ala1126Pro). This variant is not present in population databases (gnomAD no frequency). This variant has not been reported in the literature in individuals affected with PCARE-related conditions. Algorithms developed to predict the effect of missense changes on protein structure and function (SIFT, PolyPhen-2, Align-GVGD) all suggest that this variant is likely to be disruptive. In summary, the available evidence is currently insufficient to determine the role of this variant in disease. Therefore, it has been classified as a Variant of Uncertain Significance.